The following is an entry in ClinVar:

NM_001042492.3(NF1):c.809A>C (p.Gln270Pro)

Gene: NF1 (neurofibromin 1; plus strand). Cytogenetic location: 17q11.2.
Variant type: single nucleotide variant.
Coding change: c.809A>C on transcript NM_001042492.3 (MANE Select); coding-DNA position 809, A replaced by C.
Protein change: p.Gln270Pro; replaces glutamine 270 with proline.
Molecular consequence: missense variant.
Genome position (GRCh38, 1-based): chr17:31,182,586, A>C. VCF-style: chr17-31182586-A-C. GRCh37 (hg19) VCF-style: chr17-29509604-A-C.
Other names: c.809A>C, p.Gln270Pro (NM_000267.4, NM_001128147.3); short protein forms Q270P.
Identifiers: ClinVar variation 2452215 (VCV002452215.10), dbSNP rs1597659939, ClinGen allele CA398990935.

ClinVar aggregate classification (germline): Likely pathogenic. Review status: criteria provided, multiple submitters, no conflicts (2 of 4 stars). 5 submissions from 5 submitters: Likely pathogenic (5). Last evaluated 2024-11-11.

Conditions:
NF1-related disorder. Also called: NF1-related condition. Identifiers: MedGen CN379171.
Neurofibromatosis, type 1 (NF1). Also called: VON RECKLINGHAUSEN DISEASE; Neurofibromatosis, type I; NEUROFIBROMATOSIS, TYPE I, SOMATIC; Peripheral type neurofibromatosis. Identifiers: Orphanet 636, MedGen C0027831, MONDO:0018975, OMIM 162200. Disease mechanism: loss of function.
Hereditary cancer-predisposing syndrome. Also called: Hereditary Cancer Syndrome; Neoplastic Syndromes, Hereditary; Tumor predisposition; Hereditary neoplastic syndrome. Identifiers: Orphanet 140162, MedGen C0027672, MeSH D009386, MONDO:0015356.
Cardiovascular phenotype. Identifiers: MedGen CN230736.

Submissions (5):

NHS Central & South Genomic Laboratory Hub
Classification: Likely pathogenic for Neurofibromatosis type 1. Last evaluated: 2024-11-11. Review status: criteria provided, single submitter. Criteria: ACMG Guidelines, 2015. Collection method: clinical testing. Allele origin: germline. Affected: yes.

Blueprint Genetics
Classification: Likely pathogenic for NF1-related disorders. Last evaluated: 2024-02-12. Review status: criteria provided, single submitter. Criteria: ACMG Guidelines, 2015. Collection method: clinical testing. Allele origin: germline. Affected: yes. Observed: 1 variant allele.

GeneDx
Classification: Likely pathogenic. Last evaluated: 2023-08-29. Review status: criteria provided, single submitter. Criteria: GeneDx Variant Classification Process June 2021. Collection method: clinical testing. Allele origin: germline. Affected: yes.
Comment: Not observed in large population cohorts (gnomAD); In silico analysis supports that this missense variant has a deleterious effect on protein structure/function; This variant is associated with the following publications: (PMID: 25074460, 31776437)

Labcorp Genetics (formerly Invitae), Labcorp
Classification: Likely pathogenic for Neurofibromatosis, type 1. Last evaluated: 2023-06-09. Review status: criteria provided, single submitter. Criteria: Invitae Variant Classification Sherloc (09022015). Collection method: clinical testing. Allele origin: germline.
Comment: This missense change has been observed in individuals with neurofibromatosis type I (PMID: 31776437; Invitae). This variant is not present in population databases (gnomAD no frequency). This sequence change replaces glutamine, which is neutral and polar, with proline, which is neutral and non-polar, at codon 270 of the NF1 protein (p.Gln270Pro). ClinVar contains an entry for this variant (Variation ID: 2452215). In summary, the currently available evidence indicates that the variant is pathogenic, but additional data are needed to prove that conclusively. Therefore, this variant has been classified as Likely Pathogenic. Advanced modeling of protein sequence and biophysical properties (such as structural, functional, and spatial information, amino acid conservation, physicochemical variation, residue mobility, and thermodynamic stability) performed at Invitae indicates that this missense variant is expected to disrupt NF1 protein function.

Ambry Genetics
Classification: Likely pathogenic for Cardiovascular phenotype; Hereditary cancer-predisposing syndrome. Last evaluated: 2022-11-30. Review status: criteria provided, single submitter. Criteria: Ambry Variant Classification Scheme 2023. Collection method: clinical testing. Allele origin: germline.
Comment: The p.Q270P variant (also known as c.809A>C), located in coding exon 8 of the NF1 gene, results from an A to C substitution at nucleotide position 809. The glutamine at codon 270 is replaced by proline, an amino acid with similar properties. This alteration was identified in multiple patients with a confirmed or suspected clinical diagnosis of neurofibromatosis type 1 (Pasmant E et al. Eur J Hum Genet. 2015 May;23:596-601; Kang E et al. J Hum Genet. 2020 Jan;65:79-89; Ambry internal data). This amino acid position is highly conserved in available vertebrate species. In addition, this alteration is predicted to be deleterious by in silico analysis. Based on the majority of available evidence to date, this variant is likely to be pathogenic.

Literature cited by the submitters: PubMed 31776437 (cited by Labcorp Genetics (formerly Invitae), Labcorp).